The following is an entry in ClinVar:

NM_006844.5(HACL2):c.1017G>A (p.Ala339=)

Gene: HACL2 (2-hydroxyacyl-CoA lyase 2; minus strand). Cytogenetic location: 19p13.12.
Variant type: single nucleotide variant.
Coding change: c.1017G>A on transcript NM_006844.5 (MANE Select); coding-DNA position 1017, G replaced by A.
Protein change: p.Ala339=; no amino-acid change (alanine 339 retained).
Molecular consequence: synonymous variant.
Genome position (GRCh38, 1-based): chr19:15,119,200, C>T on the plus strand (G>A on the coding strand, the complement: HACL2 is on the minus strand). VCF-style: chr19-15119200-C-T. GRCh37 (hg19) VCF-style: chr19-15230011-C-T.
Identifiers: ClinVar variation 3905276 (VCV003905276.10).

ClinVar aggregate classification (germline): Likely benign (1 of 4 stars; one submission).

gnomAD v4.1: 123 of 1,598,672 alleles (0.0077%); highest among the groups gnomAD compares: Non-Finnish European, 0.01%; no homozygotes.

Submission:

CeGaT Center for Human Genetics Tuebingen
Classification: Likely benign. Last evaluated: 2025-06-01. Review status: criteria provided, single submitter. Criteria: CeGaT Center For Human Genetics Tuebingen Variant Classification Criteria Version 2. Collection method: clinical testing. Allele origin: germline. Affected: yes. Observed: 1 variant allele.
Comment: HACL2: BP4, BP7